The following is an entry in ClinVar:

ClinVar aggregate classification (germline): Likely pathogenic (1 of 4 stars; one submission).

Conditions:
Dilated cardiomyopathy 1G (CMD1G). Identifiers: Orphanet 154, MedGen C1858763, MONDO:0011400, OMIM 604145.
Autosomal recessive limb-girdle muscular dystrophy type 2J (LGMDR10). Also called: Limb-girdle muscular dystrophy, type 2J; MUSCULAR DYSTROPHY, LIMB-GIRDLE, AUTOSOMAL RECESSIVE 10. Identifiers: Orphanet 140922, MedGen C1837342, MONDO:0012127, OMIM 608807.

Submission:

Labcorp Genetics (formerly Invitae), Labcorp
Classification: Likely pathogenic for Dilated cardiomyopathy 1G; Autosomal recessive limb-girdle muscular dystrophy type 2J. Last evaluated: 2023-12-06. Review status: criteria provided, single submitter. Criteria: Invitae Variant Classification Sherloc (09022015). Collection method: clinical testing. Allele origin: germline.
Comment: This sequence change creates a premature translational stop signal (p.Glu34528Aspfs*15) in the TTN gene. While this is not anticipated to result in nonsense mediated decay, it is expected to create a truncated TTN protein. This variant is not present in population databases (gnomAD no frequency). This variant has not been reported in the literature in individuals affected with TTN-related conditions. ClinVar contains an entry for this variant (Variation ID: 2057912). This variant is located in the M band of TTN (PMID: 25589632). Truncating variants in this region have been previously reported in individuals affected with autosomal recessive myopathy and muscular dystrophy (PMID: 18948003, 23975875, 24395473). Truncating variants in this region have also been identified in individuals affected with autosomal dominant dilated cardiomyopathy and/or cardio-related conditions (PMID: 27869827, 32964742). In summary, the currently available evidence indicates that the variant is pathogenic, but additional data are needed to prove that conclusively. Therefore, this variant has been classified as Likely Pathogenic.

Literature cited by the submitters: PubMed 25589632; PubMed 18948003; PubMed 23975875; PubMed 24395473; PubMed 27869827; PubMed 32964742.

NM_001267550.2(TTN):c.103580_103583dup (p.Glu34528fs)

Genes: TTN (titin; minus strand), TTN-AS1 (TTN antisense RNA 1; plus strand). Cytogenetic location: 2q31.2.
Variant type: Duplication.
Coding change: c.103580_103583dup on transcript NM_001267550.2 (MANE Select); coding-DNA positions 103580 to 103583, 4 bases duplicated (TAGA; older notation c.103580_103583dupTAGA).
Protein change: p.Glu34528fs; shifts the reading frame from glutamic acid 34528.
Molecular consequence: frameshift variant.
Genome position (GRCh38, 1-based): chr2:178,533,032-178,533,035, TCTA duplicated on the plus strand (TAGA on the coding strand, the reverse complement: TTN is on the minus strand); duplicating any 4 consecutive bases within chr2:178,533,032-178,533,038 gives the same sequence; the c. name uses the placement nearest the transcript's 3' end. VCF-style (leftmost placement, unchanged base first): chr2-178533031-T-TTCTA. GRCh37 (hg19) VCF-style: chr2-179397758-T-TTCTA.
Other names: c.98657_98660dup, p.Glu32887fs (NM_001256850.1); c.76385_76388dup, p.Glu25463fs (NM_003319.4); c.95876_95879dup, p.Glu31960fs (NM_133378.4); c.76760_76763dup, p.Glu25588fs (NM_133432.3); c.76961_76964dup, p.Glu25655fs (NM_133437.4); short protein forms E32887fs, E25588fs, E34528fs, E25655fs, E31960fs, E25463fs.
Identifiers: ClinVar variation 2057912 (VCV002057912.4), dbSNP rs2468476315, ClinGen allele CA2580064868.